The following is an entry in ClinVar:

ClinVar aggregate classification (germline): Uncertain significance. Review status: criteria provided, single submitter (1 of 4 stars). 2 submissions from 2 submitters: Uncertain significance (1). 1 of the submissions does not count toward it. Last evaluated 2025-07-21.

Conditions:
Medium-chain acyl-coenzyme A dehydrogenase deficiency (ACADMD). Also called: MCADH DEFICIENCY; MCAD Deficiency; MCADD; CARNITINE DEFICIENCY SECONDARY TO MEDIUM-CHAIN ACYL-CoA DEHYDROGENASE DEFICIENCY; ACADM DEFICIENCY; Medium chain acyl-CoA dehydrogenase deficiency. Identifiers: Orphanet 42, MedGen C0220710, MONDO:0008721, OMIM 201450.

Allele frequency attached by ClinVar (database versions not stated): gnomAD exomes below 0.00001.
gnomAD v4.1: 2 of 1,614,048 alleles (0.00012%); highest among the groups gnomAD compares: Non-Finnish European, 0.00017%; no homozygotes.

Submissions (2):

Women's Health and Genetics/Laboratory Corporation of America, LabCorp
Classification: Uncertain significance. Last evaluated: 2025-07-21. Review status: criteria provided, single submitter. Criteria: LabCorp Variant Classification Summary - May 2015. Collection method: clinical testing. Allele origin: germline.
Comment: Variant summary: ACADM c.730T>C (p.Cys244Arg) results in a non-conservative amino acid change in the encoded protein sequence. Algorithms developed to predict the effect of missense changes on protein structure and function all suggest that this variant is likely to be disruptive. The variant was absent in 251290 control chromosomes. The available data on variant occurrences in the general population are insufficient to allow any conclusion about variant significance. c.730T>C has been observed in the compound heterozygous state inat least one individual affected with Medium Chain Acyl-CoA Dehydrogenase Deficiency (Yokota_1991). These data do not allow any conclusion about variant significance. To our knowledge, no experimental evidence demonstrating an impact on protein function has been reported. The following publication have been ascertained in the context of this evaluation (PMID: 1684086). ClinVar contains an entry for this variant (Variation ID: 3590). Based on the evidence outlined above, the variant was classified as uncertain significance.

OMIM
Classification: Pathogenic for MCAD DEFICIENCY. Last evaluated: 1991-12-01. Review status: no assertion criteria provided. Collection method: literature only. Allele origin: germline. Not counted in ClinVar's aggregate classification.

Literature cited by the submitters: PubMed 1684086 (cited by Women's Health and Genetics/Laboratory Corporation of America, LabCorp and OMIM).

NM_000016.6(ACADM):c.730T>C (p.Cys244Arg)

Gene: ACADM (acyl-CoA dehydrogenase medium chain; plus strand). Cytogenetic location: 1p31.1.
Variant type: single nucleotide variant.
Coding change: c.730T>C on transcript NM_000016.6 (MANE Select); coding-DNA position 730, T replaced by C.
Protein change: p.Cys244Arg; replaces cysteine 244 with arginine.
Molecular consequence: missense variant.
Genome position (GRCh38, 1-based): chr1:75,749,440, T>C. VCF-style: chr1-75749440-T-C. GRCh37 (hg19) VCF-style: chr1-76215125-T-C.
Other names: c.742T>C, p.Cys248Arg (NM_001127328.3); c.622T>C, p.Cys208Arg (NM_001286042.2); c.829T>C, p.Cys277Arg (NM_001286043.2); c.163T>C, p.Cys55Arg (NM_001286044.2); short protein forms C244R, C248R, C55R, C208R, C277R.
Identifiers: ClinVar variation 3590 (VCV000003590.3), dbSNP rs121434276, ClinGen allele CA252828.
Genomic context (GRCh38, chr1:75,749,440, plus strand): 5'-CAAAAAAAATTCCTTAAAATATATCAATTTTCTTATTAGGAATTAAACATGGGCCAGCGA[T>C]GTTCAGATACTAGAGGAATTGTCTTCGAAGATGTGAAAGTGCCTAAAGAAAATGTTTTAA-3'
Protein context (NP_000007.1, residues 234-254): GRKELNMGQR[Cys244Arg]SDTRGIVFED